The following is an entry in ClinVar:

NM_001206927.2(DNAH8):c.4383G>A (p.Leu1461=)

Gene: DNAH8 (dynein axonemal heavy chain 8; plus strand). Cytogenetic location: 6p21.2.
Variant type: single nucleotide variant.
Coding change: c.4383G>A on transcript NM_001206927.2 (MANE Select); coding-DNA position 4383, G replaced by A.
Protein change: p.Leu1461=; no amino-acid change (leucine 1461 retained).
Molecular consequence: synonymous variant.
Genome position (GRCh38, 1-based): chr6:38,837,959, G>A. VCF-style: chr6-38837959-G-A. GRCh37 (hg19) VCF-style: chr6-38805735-G-A.
Other names: p.Leu1461=; c.3732G>A, p.Leu1244= (NM_001371.4).
Identifiers: ClinVar variation 224918 (VCV000224918.36), dbSNP rs145272110, ClinGen allele CA356469.

ClinVar aggregate classification (germline): Benign/Likely benign. Review status: criteria provided, multiple submitters, no conflicts (2 of 4 stars). 4 submissions from 4 submitters: Benign (2); Likely benign (2). Last evaluated 2026-02-01.

Conditions:
Primary ciliary dyskinesia. Also called: Ciliary dyskinesia. Identifiers: Orphanet 244, MedGen C0008780, MONDO:0016575, HP:0012265.

Allele frequency attached by ClinVar (database versions not stated): 1000 Genomes Project 30x 0.00125; 1000 Genomes Project 0.00140; ESP Exome Variant Server 0.00284; ExAC 0.00306; gnomAD 0.00308 and 0.00317; gnomAD exomes 0.00327; TOPMed 0.00355.
gnomAD v4.1: 5,709 of 1,612,692 alleles (0.35%); highest among the groups gnomAD compares: Admixed American, 0.62%; 16 homozygotes.

Submissions (4):

Labcorp Genetics (formerly Invitae), Labcorp
Classification: Benign for Primary ciliary dyskinesia. Last evaluated: 2026-02-01. Review status: criteria provided, single submitter. Criteria: Invitae Variant Classification Sherloc (09022015). Collection method: clinical testing. Allele origin: germline.

Mayo Clinic Laboratories, Mayo Clinic
Classification: Benign. Last evaluated: 2025-06-10. Review status: criteria provided, single submitter. Criteria: ACMG Guidelines, 2015. Collection method: clinical testing. Allele origin: germline. Observed: 2 variant alleles.
Comment: BS1, BS2, BP4, BP7

CeGaT Center for Human Genetics Tuebingen
Classification: Likely benign. Last evaluated: 2025-01-01. Review status: criteria provided, single submitter. Criteria: CeGaT Center For Human Genetics Tuebingen Variant Classification Criteria Version 2. Collection method: clinical testing. Allele origin: germline. Affected: yes. Observed: 3 variant alleles.
Comment: DNAH8: BP4, BP7, BS2

Blueprint Genetics
Classification: Likely benign. Last evaluated: 2024-11-21. Review status: criteria provided, single submitter. Criteria: ACMG Guidelines, 2015. Collection method: clinical testing. Allele origin: germline.